The following is an entry in ClinVar:

NM_000540.3(RYR1):c.1573C>T (p.Leu525=)

Gene: RYR1 (ryanodine receptor 1; plus strand). Cytogenetic location: 19q13.2.
Variant type: single nucleotide variant.
Coding change: c.1573C>T on transcript NM_000540.3 (MANE Select); coding-DNA position 1573, C replaced by T.
Protein change: p.Leu525=; no amino-acid change (leucine 525 retained).
Molecular consequence: synonymous variant.
Genome position (GRCh38, 1-based): chr19:38,455,367, C>T. VCF-style: chr19-38455367-C-T. GRCh37 (hg19) VCF-style: chr19-38946007-C-T.
Other names: c.1573C>T, p.Leu525= (NM_001042723.2).
Identifiers: ClinVar variation 2149120 (VCV002149120.5), dbSNP rs1308257190, ClinGen allele CA507352502.

ClinVar aggregate classification (germline): Likely benign. Review status: criteria provided, multiple submitters, no conflicts (2 of 4 stars). 2 submissions from 2 submitters: Likely benign (2). Last evaluated 2024-04-25.

Conditions:
Malignant hyperthermia, susceptibility to, 1 (MHS1). Also called: Anesthesia related hyperthermia; Malignant hyperpyrexia; Fulminating hyperpyrexia; Pharmacogenic myopathy; RYR1-Related Malignant Hyperthermia Susceptibility; Malignant hyperthermia suceptibility 1. Identifiers: Orphanet 423, MedGen C2930980, MONDO:0007783, OMIM 145600.
RYR1-related disorder. Also called: RYR1-related disorders; RYR1-related condition. Identifiers: MedGen CN239331.

Allele frequency attached by ClinVar (database versions not stated): gnomAD exomes below 0.00001; TOPMed below 0.00001.
gnomAD v4.1: 4 of 1,614,046 alleles (0.00025%); highest among the groups gnomAD compares: Non-Finnish European, 0.00034%; no homozygotes.

Submissions (2):

All of Us Research Program, National Institutes of Health
Classification: Likely benign for Malignant hyperthermia, susceptibility to, 1. Last evaluated: 2024-04-25. Review status: criteria provided, single submitter. Criteria: ACMG Guidelines, 2015. Collection method: clinical testing. Allele origin: germline. Inheritance: Autosomal dominant inheritance. Observed: 1 variant allele, 1 heterozygote.
Comment: This study involves interpretation of variants in research participants for the purpose of population health screening. Participant phenotype was not available at the time of variant classification. Additional details can be found in publication PMID: 35346344, PMCID: PMC8962531

Labcorp Genetics (formerly Invitae), Labcorp
Classification: Likely benign for RYR1-related disorder. Last evaluated: 2023-09-12. Review status: criteria provided, single submitter. Criteria: Invitae Variant Classification Sherloc (09022015). Collection method: clinical testing. Allele origin: germline.